The following is an entry in ClinVar:

NM_000059.4(BRCA2):c.4526A>C (p.Gln1509Pro)

Gene: BRCA2 (BRCA2 DNA repair associated; plus strand). Cytogenetic location: 13q13.1.
Variant type: single nucleotide variant.
Coding change: c.4526A>C on transcript NM_000059.4 (MANE Select); coding-DNA position 4526, A replaced by C.
Protein change: p.Gln1509Pro; replaces glutamine 1509 with proline.
Molecular consequence: missense variant.
Genome position (GRCh38, 1-based): chr13:32,338,881, A>C. VCF-style: chr13-32338881-A-C. GRCh37 (hg19) VCF-style: chr13-32913018-A-C.
Other names: c.4526A>C, p.Gln1509Pro (NM_001406719.1, NM_001406720.1); short protein forms Q1509P.
Identifiers: ClinVar variation 1741235 (VCV001741235.4), dbSNP rs764435740, ClinGen allele CA387781680.
Genomic context (GRCh38, chr13:32,338,881, plus strand): 5'-AAATACTGAAAGAAAGTGTCCCAGTTGGTACTGGAAATCAACTAGTGACCTTCCAGGGAC[A>C]ACCCGAACGTGATGAAAAGATCAAAGAACCTACTCTATTGGGTTTTCATACAGCTAGCGG-3'
Protein context (NP_000050.3, residues 1499-1519): TGNQLVTFQG[Gln1509Pro]PERDEKIKEP

ClinVar aggregate classification (germline): Conflicting classifications of pathogenicity. Review status: criteria provided, conflicting classifications (1 of 4 stars). 2 submissions from 2 submitters: Uncertain significance (1); Likely benign (1). Last evaluated 2023-03-23.

Conditions:
Hereditary cancer-predisposing syndrome. Also called: Hereditary Cancer Syndrome; Hereditary neoplastic syndrome; Neoplastic Syndromes, Hereditary; Tumor predisposition. Identifiers: Orphanet 140162, MedGen C0027672, MeSH D009386, MONDO:0015356.

Submissions (2):

University of Washington Department of Laboratory Medicine, University of Washington
Classification: Likely benign for Hereditary cancer-predisposing syndrome. Last evaluated: 2023-03-23. Review status: criteria provided, single submitter. Criteria: Dines et al. (Genet Med. 2020). Collection method: curation. Allele origin: germline.
Comment: Missense variant in a coldspot region where missense variants are very unlikely to be pathogenic (PMID:31911673).

BRCA2 exon 11 coldspot. Reclassification based on statistical prior probability.

Ambry Genetics
Classification: Uncertain significance for Hereditary cancer-predisposing syndrome. Last evaluated: 2021-07-09. Review status: criteria provided, single submitter. Criteria: Ambry Variant Classification Scheme 2023. Collection method: clinical testing. Allele origin: germline.
Comment: The p.Q1509P variant (also known as c.4526A>C), located in coding exon 10 of the BRCA2 gene, results from an A to C substitution at nucleotide position 4526. The glutamine at codon 1509 is replaced by proline, an amino acid with similar properties. This amino acid position is not well conserved in available vertebrate species. In addition, this alteration is predicted to be tolerated by in silico analysis. Since supporting evidence is limited at this time, the clinical significance of this alteration remains unclear.